The following is an entry in ClinVar:

NM_138576.4(BCL11B):c.1730C>T (p.Pro577Leu)

Gene: BCL11B (BCL11 transcription factor B; minus strand). Cytogenetic location: 14q32.2.
Variant type: single nucleotide variant.
Coding change: c.1730C>T on transcript NM_138576.4 (MANE Select); coding-DNA position 1730, C replaced by T.
Protein change: p.Pro577Leu; replaces proline 577 with leucine.
Molecular consequence: missense variant.
Genome position (GRCh38, 1-based): chr14:99,175,106, G>A on the plus strand (C>T on the coding strand, the complement: BCL11B is on the minus strand). VCF-style: chr14-99175106-G-A. GRCh37 (hg19) VCF-style: chr14-99641443-G-A.
Other names: c.1727C>T, p.Pro576Leu (NM_001282237.2); c.1514C>T, p.Pro505Leu (NM_001282238.2); c.1517C>T, p.Pro506Leu (NM_022898.3); short protein forms P505L, P506L, P576L, P577L.
Identifiers: ClinVar variation 3375371 (VCV003375371.1).

ClinVar aggregate classification (germline): Uncertain significance (1 of 4 stars; one submission).

gnomAD v4.1: 8 of 1,595,210 alleles (0.0005%); highest among the groups gnomAD compares: East Asian, 0.0022%; no homozygotes.

Submission:

Women's Health and Genetics/Laboratory Corporation of America, LabCorp
Classification: Uncertain significance. Last evaluated: 2024-09-19. Review status: criteria provided, single submitter. Criteria: LabCorp Variant Classification Summary - May 2015. Collection method: clinical testing. Allele origin: germline.
Comment: Variant summary: BCL11B c.1730C>T (p.Pro577Leu) results in a non-conservative amino acid change in the encoded protein sequence. Four of five in-silico tools predict a benign effect of the variant on protein function. The variant allele was found at a frequency of 5e-06 in 1588376 control chromosomes in the gnomAD database (v4.1 dataset). The available data on variant occurrences in the general population are insufficient to allow any conclusion about variant significance. To our knowledge, no occurrence of c.1730C>T in individuals affected with BCL11B-Related Disorders and no experimental evidence demonstrating its impact on protein function have been reported. No submitters have cited clinical-significance assessments for this variant to ClinVar. Based on the evidence outlined above, the variant was classified as uncertain significance.